The following is an entry in ClinVar:

ClinVar aggregate classification (germline): Uncertain significance (1 of 4 stars; one submission).

Conditions:
Cardiovascular phenotype. Identifiers: MedGen CN230736.

gnomAD v4.1: 2 of 1,541,684 alleles (0.00013%); highest among the groups gnomAD compares: Admixed American, 0.002%; no homozygotes.

Submission:

Ambry Genetics
Classification: Uncertain significance for Cardiovascular phenotype. Last evaluated: 2026-03-29. Review status: criteria provided, single submitter. Criteria: Ambry Variant Classification Scheme 2023. Collection method: clinical testing. Allele origin: germline.
Comment: The p.R627S variant (also known as c.1881A>T) is located in coding exon 9 of the RBM20 gene. The arginine at codon 627 is replaced by serine, an amino acid with dissimilar properties. This change occurs in the first base pair of coding exon 9. This amino acid position is conserved. In addition, the in silico prediction for this alteration is inconclusive. Based on the available evidence, the clinical significance of this variant remains unclear.

NM_001134363.3(RBM20):c.1881A>T (p.Arg627Ser)

Gene: RBM20 (RNA binding motif protein 20; plus strand). Cytogenetic location: 10q25.2.
Variant type: single nucleotide variant.
Coding change: c.1881A>T on transcript NM_001134363.3 (MANE Select); coding-DNA position 1881, A replaced by T.
Protein change: p.Arg627Ser; replaces arginine 627 with serine.
Molecular consequence: missense variant.
Genome position (GRCh38, 1-based): chr10:110,812,278, A>T. VCF-style: chr10-110812278-A-T. GRCh37 (hg19) VCF-style: chr10-112572036-A-T.
Other names: short protein forms R627S.
Identifiers: ClinVar variation 4863064 (VCV004863064.1).